The following is an entry in ClinVar:

NM_001172509.2(SATB2):c.1768G>A (p.Ala590Thr)

Genes: SATB2 (SATB homeobox 2; minus strand), LOC126806462 (MED14-independent group 3 enhancer GRCh37_chr2:200136608-200137807; plus strand). Cytogenetic location: 2q33.1.
Variant type: single nucleotide variant.
Coding change: c.1768G>A on transcript NM_001172509.2 (MANE Select); coding-DNA position 1768, G replaced by A.
Protein change: p.Ala590Thr; replaces alanine 590 with threonine.
Molecular consequence: missense variant.
Genome position (GRCh38, 1-based): chr2:199,272,645, C>T on the plus strand (G>A on the coding strand, the complement: SATB2 is on the minus strand). VCF-style: chr2-199272645-C-T. GRCh37 (hg19) VCF-style: chr2-200137368-C-T.
Other names: c.1768G>A, p.Ala590Thr (NM_001172517.1, NM_015265.4); short protein forms A590T.
Identifiers: ClinVar variation 2466835 (VCV002466835.3), dbSNP rs1692195440, ClinGen allele CA350386049.

ClinVar aggregate classification (germline): Conflicting classifications of pathogenicity. Review status: criteria provided, conflicting classifications (1 of 4 stars). 2 submissions from 2 submitters: Uncertain significance (1); Likely benign (1). Last evaluated 2026-01-28.

Conditions:
Inborn genetic diseases. Identifiers: MedGen C0950123, MeSH D030342.
Chromosome 2q32-q33 deletion syndrome (GLASS). Also called: 2q33.1 deletion syndrome; Glass syndrome. Identifiers: Orphanet 251019, MedGen C2676739, MONDO:0012864, OMIM 612313.

Allele frequency attached by ClinVar (database versions not stated): gnomAD exomes below 0.00001.
gnomAD v4.1: 2 of 1,614,046 alleles (0.00012%); highest among the groups gnomAD compares: Admixed American, 0.0017%; no homozygotes.

Submissions (2):

Labcorp Genetics (formerly Invitae), Labcorp
Classification: Uncertain significance for Chromosome 2q32-q33 deletion syndrome. Last evaluated: 2026-01-28. Review status: criteria provided, single submitter. Criteria: Invitae Variant Classification Sherloc (09022015). Collection method: clinical testing. Allele origin: germline.
Comment: This sequence change replaces alanine, which is neutral and non-polar, with threonine, which is neutral and polar, at codon 590 of the SATB2 protein (p.Ala590Thr). This variant is not present in population databases (gnomAD no frequency). This variant has not been reported in the literature in individuals affected with SATB2-related conditions. ClinVar contains an entry for this variant (Variation ID: 2466835). Invitae Evidence Modeling of protein sequence and biophysical properties (such as structural, functional, and spatial information, amino acid conservation, physicochemical variation, residue mobility, and thermodynamic stability) indicates that this missense variant is not expected to disrupt SATB2 protein function with a negative predictive value of 80%. In summary, the available evidence is currently insufficient to determine the role of this variant in disease. Therefore, it has been classified as a Variant of Uncertain Significance.

Ambry Genetics
Classification: Likely benign for Inborn genetic diseases. Last evaluated: 2023-01-26. Review status: criteria provided, single submitter. Criteria: Ambry Variant Classification Scheme 2023. Collection method: clinical testing. Allele origin: germline.